The following is an entry in ClinVar:

ClinVar aggregate classification (germline): Uncertain significance. Review status: criteria provided, multiple submitters, no conflicts (2 of 4 stars). 3 submissions from 3 submitters: Uncertain significance (3). Last evaluated 2026-01-06.

Conditions:
EFEMP1-related disorder. Also called: EFEMP1-related condition.

Allele frequency attached by ClinVar (database versions not stated): gnomAD exomes 0.00001; ExAC 0.00002; gnomAD 0.00002; TOPMed 0.00002; ESP Exome Variant Server 0.00008.
gnomAD v4.1: 78 of 1,614,082 alleles (0.0048%); highest among the groups gnomAD compares: Non-Finnish European, 0.0064%; no homozygotes.

Submissions (3):

PreventionGenetics, part of Exact Sciences
Classification: Uncertain significance for EFEMP1-related condition. Last evaluated: 2026-01-06. Review status: criteria provided, single submitter. Criteria: ACMG Guidelines, 2015. Collection method: clinical testing. Allele origin: germline.
Comment: The EFEMP1 c.118C>A variant is predicted to result in the amino acid substitution p.Gln40Lys. To our knowledge, this variant has not been reported in the literature. This variant is reported in 0.0031% of alleles in individuals of European (Non-Finnish) descent in gnomAD. At this time, the clinical significance of this variant is uncertain due to the absence of conclusive functional and genetic evidence.

Blueprint Genetics
Classification: Uncertain significance. Last evaluated: 2024-11-07. Review status: criteria provided, single submitter. Criteria: ACMG Guidelines, 2015. Collection method: clinical testing. Allele origin: germline.

Labcorp Genetics (formerly Invitae), Labcorp
Classification: Uncertain significance. Last evaluated: 2023-05-01. Review status: criteria provided, single submitter. Criteria: Invitae Variant Classification Sherloc (09022015). Collection method: clinical testing. Allele origin: germline.
Comment: In summary, the available evidence is currently insufficient to determine the role of this variant in disease. Therefore, it has been classified as a Variant of Uncertain Significance. Advanced modeling of protein sequence and biophysical properties (such as structural, functional, and spatial information, amino acid conservation, physicochemical variation, residue mobility, and thermodynamic stability) performed at Invitae indicates that this missense variant is not expected to disrupt EFEMP1 protein function. ClinVar contains an entry for this variant (Variation ID: 1034967). This variant has not been reported in the literature in individuals affected with EFEMP1-related conditions. This variant is present in population databases (rs374767112, gnomAD 0.004%). This sequence change replaces glutamine, which is neutral and polar, with lysine, which is basic and polar, at codon 40 of the EFEMP1 protein (p.Gln40Lys).

NM_001039348.3(EFEMP1):c.118C>A (p.Gln40Lys)

Gene: EFEMP1 (EGF-like fibulin extracellular matrix protein 1; minus strand). Cytogenetic location: 2p16.1.
Variant type: single nucleotide variant.
Coding change: c.118C>A on transcript NM_001039348.3 (MANE Select); coding-DNA position 118, C replaced by A.
Protein change: p.Gln40Lys; replaces glutamine 40 with lysine.
Molecular consequence: missense variant.
Genome position (GRCh38, 1-based): chr2:55,918,231, G>T on the plus strand (C>A on the coding strand, the complement: EFEMP1 is on the minus strand). VCF-style: chr2-55918231-G-T. GRCh37 (hg19) VCF-style: chr2-56145366-G-T.
Other names: c.118C>A, p.Gln40Lys (NM_001039349.3); c.118C>A (NM_001039348.2); short protein forms Q40K.
Identifiers: ClinVar variation 1034967 (VCV001034967.10), dbSNP rs374767112, ClinGen allele CA1669020.